The following is an entry in ClinVar:

ClinVar aggregate classification (germline): Likely pathogenic (0 of 4 stars; one submission).

Conditions:
Imerslund-Grasbeck syndrome. Also called: PERNICIOUS ANEMIA, JUVENILE, DUE TO SELECTIVE INTESTINAL MALABSORPTION OF VITAMIN B12, WITH PROTEINURIA; Megaloblastic anemia due to inborn errors of metabolism; Imerslund-Gräsbeck syndrome; ENTEROCYTE COBALAMIN MALABSORPTION; ENTEROCYTE INTRINSIC FACTOR RECEPTOR, DEFECT OF. Identifiers: Orphanet 35858, MedGen C4551825, MONDO:0009853.

Submission:

Juha Muilu Group; Institute for Molecular Medicine Finland (FIMM)
Classification: Likely pathogenic for Megaloblastic anemia due to inborn errors of metabolism. Review status: no assertion criteria provided. Collection method: not provided. Allele origin: unknown.
Comment: FinDis database variant: This variant was not found or characterized by our laboratory, data were collected from public sources: see reference
ClinVar note: Converted during submission from probable-pathogenic to Likely pathogenic.

NM_001081.4(CUBN):c.3577T>G (p.Trp1193Gly)

Gene: CUBN (cubilin; minus strand). Cytogenetic location: 10p13.
Variant type: single nucleotide variant.
Coding change: c.3577T>G on transcript NM_001081.4 (MANE Select); coding-DNA position 3577, T replaced by G.
Protein change: p.Trp1193Gly; replaces tryptophan 1193 with glycine.
Molecular consequence: missense variant.
Genome position (GRCh38, 1-based): chr10:17,045,102, A>C on the plus strand (T>G on the coding strand, the complement: CUBN is on the minus strand). VCF-style: chr10-17045102-A-C. GRCh37 (hg19) VCF-style: chr10-17087101-A-C.
Other names: short protein forms W1193G.
Identifiers: ClinVar variation 56335 (VCV000056335.2), dbSNP rs386833783, ClinGen allele CA144281.